The following is an entry in ClinVar:

ClinVar aggregate classification (germline): Uncertain significance (1 of 4 stars; one submission).

Allele frequency attached by ClinVar (database versions not stated): gnomAD exomes below 0.00001.
gnomAD v4.1: 3 of 1,612,122 alleles (0.00019%); highest among the groups gnomAD compares: Non-Finnish European, 0.00025%; no homozygotes.

Submission:

Labcorp Genetics (formerly Invitae), Labcorp
Classification: Uncertain significance. Last evaluated: 2022-08-23. Review status: criteria provided, single submitter. Criteria: Invitae Variant Classification Sherloc (09022015). Collection method: clinical testing. Allele origin: germline.
Comment: This sequence change replaces arginine, which is basic and polar, with tryptophan, which is neutral and slightly polar, at codon 1788 of the MYO5B protein (p.Arg1788Trp). This variant is not present in population databases (gnomAD no frequency). This variant has not been reported in the literature in individuals affected with MYO5B-related conditions. Algorithms developed to predict the effect of missense changes on protein structure and function are either unavailable or do not agree on the potential impact of this missense change (SIFT: "Deleterious"; PolyPhen-2: "Probably Damaging"; Align-GVGD: "Class C0"). In summary, the available evidence is currently insufficient to determine the role of this variant in disease. Therefore, it has been classified as a Variant of Uncertain Significance.

NM_001080467.3(MYO5B):c.5362C>T (p.Arg1788Trp)

Genes: MYO5B (myosin VB; minus strand), SNHG22 (small nucleolar RNA host gene 22; plus strand). Cytogenetic location: 18q21.1.
Variant type: single nucleotide variant.
Coding change: c.5362C>T on transcript NM_001080467.3 (MANE Select); coding-DNA position 5362, C replaced by T.
Protein change: p.Arg1788Trp; replaces arginine 1788 with tryptophan.
Molecular consequence: missense variant.
Genome position (GRCh38, 1-based): chr18:49,835,376, G>A on the plus strand (C>T on the coding strand, the complement: MYO5B is on the minus strand). VCF-style: chr18-49835376-G-A. GRCh37 (hg19) VCF-style: chr18-47361746-G-A.
Other names: short protein forms R1788W.
Identifiers: ClinVar variation 2034882 (VCV002034882.2), dbSNP rs2511232634, ClinGen allele CA402419416.